The following is an entry in ClinVar:

NM_001040142.2(SCN2A):c.2626A>T (p.Asn876Tyr)

Gene: SCN2A (sodium voltage-gated channel alpha subunit 2; plus strand). Cytogenetic location: 2q24.3.
Variant type: single nucleotide variant.
Coding change: c.2626A>T on transcript NM_001040142.2 (MANE Select); coding-DNA position 2626, A replaced by T.
Protein change: p.Asn876Tyr; replaces asparagine 876 with tyrosine.
Molecular consequence: missense variant.
Genome position (GRCh38, 1-based): chr2:165,344,618, A>T. VCF-style: chr2-165344618-A-T. GRCh37 (hg19) VCF-style: chr2-166201128-A-T.
Other names: c.2626A>T, p.Asn876Tyr (NM_001040143.2, NM_001371246.1, NM_001371247.1 and 1 more transcripts); short protein forms N876Y.
Identifiers: ClinVar variation 1878623 (VCV001878623.1), dbSNP rs2468007387, ClinGen allele CA349013386.

ClinVar aggregate classification (germline): Uncertain significance (1 of 4 stars; one submission).

Conditions:
Developmental and epileptic encephalopathy, 11 (DEE11). Also called: Early infantile epileptic encephalopathy 11. Identifiers: Orphanet 1934, MedGen C3150987, MONDO:0013388, OMIM 613721.

Submission:

Neuberg Centre For Genomic Medicine, NCGM
Classification: Uncertain significance for Developmental and epileptic encephalopathy, 11. Review status: criteria provided, single submitter. Criteria: ACMG Guidelines, 2015. Collection method: clinical testing. Allele origin: germline. Affected: yes.
Comment: The missense variant c.2626A>T(p.Asn876Tyr) in SCN2A gene has not been reported previously as a pathogenic variant nor as a benign variant, to our knowledge. The p.Asn876Tyr variant is novel (not in any individuals) in gnomAD Exomes and 1000 Genomes. The amino acid Asn at position 876 is changed to a Tyr changing protein sequence and it might alter its composition and physico-chemical properties. The variant is predicted to be damaging by both SIFT and PolyPhen2. The residue is conserved across species. The amino acid change p.Asn876Tyr in SCN2A is predicted as conserved by GERP++ and PhyloP across 100 vertebrates. For these reasons, this variant has been classified as Uncertain Significance.